The following is an entry in ClinVar:

NM_003128.3(SPTBN1):c.5988G>A (p.Thr1996=)

Gene: SPTBN1 (spectrin beta, non-erythrocytic 1; plus strand). Cytogenetic location: 2p16.2.
Variant type: single nucleotide variant.
Coding change: c.5988G>A on transcript NM_003128.3 (MANE Select); coding-DNA position 5988, G replaced by A.
Protein change: p.Thr1996=; no amino-acid change (threonine 1996 retained).
Molecular consequence: synonymous variant.
Genome position (GRCh38, 1-based): chr2:54,655,940, G>A. VCF-style: chr2-54655940-G-A. GRCh37 (hg19) VCF-style: chr2-54883077-G-A.
Other names: c.5949G>A, p.Thr1983= (NM_178313.3).
Identifiers: ClinVar variation 4821215 (VCV004821215.4).
Genomic context (GRCh38, chr2:54,655,940, plus strand): 5'-TTAAGATGTCCCGGGGATCCTCTTTTTCATACAGATCAAGGAAAAATTACTGCAGTTGAC[G>A]GAAAAGAGGAAAGAAATGATCGACAAGTGGGAAGACCGATGGGAATGGTTAAGACTGAGT-3'
Protein context (NP_003119.2, residues 1986-2006): EEIKEKLLQL[Thr1996=]EKRKEMIDKW

ClinVar aggregate classification (germline): Benign (1 of 4 stars; one submission).

gnomAD v4.1: 1,301 of 1,613,102 alleles (0.081%); highest among the groups gnomAD compares: South Asian, 1.3%; 17 homozygotes.

Submission:

CeGaT Center for Human Genetics Tuebingen
Classification: Benign. Last evaluated: 2026-01-01. Review status: criteria provided, single submitter. Criteria: CeGaT Center For Human Genetics Tuebingen Variant Classification Criteria Version 2. Collection method: clinical testing. Allele origin: germline. Affected: yes. Observed: 1 variant allele.
Comment: SPTBN1: BP4, BP7, BS1, BS2